The following is an entry in ClinVar:

ClinVar aggregate classification (germline): Pathogenic. Review status: criteria provided, multiple submitters, no conflicts (2 of 4 stars). 6 submissions from 6 submitters: Pathogenic (5). 1 of the submissions does not count toward it. Last evaluated 2025-07-22.

Conditions:
NPHP3-related disorder. Also called: NPHP3-related disorders; NPHP3-related condition. Identifiers: MedGen CN379163.
Nephronophthisis 3 (NPHP3). Also called: Adolescent nephronophthisis. Identifiers: Orphanet 655, MedGen C1858392, MONDO:0011456, OMIM 604387.
Renal-hepatic-pancreatic dysplasia 1 (RHPD1). Identifiers: MedGen C3715199, MONDO:0008833, OMIM 208540.
NPHP3-related Meckel-like syndrome. Also called: GOLDSTON SYNDROME; Meckel syndrome type 7. Identifiers: Orphanet 3032, MedGen C2673885, MONDO:0009966, OMIM 267010.
Nephronophthisis. Also called: Juvenile Nephronophthisis. Identifiers: Orphanet 655, MedGen C0687120, MONDO:0019005, HP:0000090.

Allele frequency attached by ClinVar (database versions not stated): gnomAD 0.00001; TOPMed 0.00001; gnomAD exomes 0.00002 and 0.00001.
gnomAD v4.1: 29 of 1,601,730 alleles (0.0018%); highest among the groups gnomAD compares: Non-Finnish European, 0.0021%; no homozygotes.

Submissions (6):

Labcorp Genetics (formerly Invitae), Labcorp
Classification: Pathogenic for Nephronophthisis. Last evaluated: 2025-07-22. Review status: criteria provided, single submitter. Criteria: Invitae Variant Classification Sherloc (09022015). Collection method: clinical testing. Allele origin: germline.
Comment: This sequence change creates a premature translational stop signal (p.Arg577*) in the NPHP3 gene. It is expected to result in an absent or disrupted protein product. Loss-of-function variants in NPHP3 are known to be pathogenic (PMID: 18371931, 23559409). This variant is present in population databases (rs119456962, gnomAD 0.004%). This premature translational stop signal has been observed in individual(s) with nephronophthisis (PMID: 18371931). It has also been observed to segregate with disease in related individuals. ClinVar contains an entry for this variant (Variation ID: 2636). For these reasons, this variant has been classified as Pathogenic.

Blueprint Genetics
Classification: Pathogenic for NPHP3-related disorders. Last evaluated: 2024-04-22. Review status: criteria provided, single submitter. Criteria: ACMG Guidelines, 2015. Collection method: clinical testing. Allele origin: germline. Affected: yes. Observed: 5 variant alleles.

Daryl Scott Lab, Baylor College of Medicine
Classification: Pathogenic for NPHP3-related disorder. Last evaluated: 2024-01-01. Review status: criteria provided, single submitter. Criteria: ACMG Guidelines, 2015. Collection method: clinical testing. Allele origin: paternal. Observed: 1 heterozygote.
Comment: PVS1, PM2

Eurofins Ntd Llc (ga)
Classification: Pathogenic. Last evaluated: 2014-09-19. Review status: criteria provided, single submitter. Criteria: EGL Classification Definitions. Collection method: clinical testing. Allele origin: germline. Observed: 4 variant alleles, 4 heterozygotes.

Juno Genomics, Hangzhou Juno Genomics, Inc
Classification: Pathogenic for NPHP3-related Meckel-like syndrome; Nephronophthisis 3; Renal-hepatic-pancreatic dysplasia 1. Review status: criteria provided, single submitter. Criteria: ACMG Guidelines, 2015. Collection method: clinical testing. Allele origin: germline.
Comment: Absent from controls (or at extremely low frequency if recessive) in Genome Aggregation Database.;Null variant in a gene where loss of function (LOF) is a known mechanism of disease.;For recessive disorders, detected in trans with a pathogenic variant.;Co-segregation with disease in multiple affected family members.

OMIM
Classification: Pathogenic for MECKEL SYNDROME, TYPE 7. Last evaluated: 2008-04-01. Review status: no assertion criteria provided. Collection method: literature only. Allele origin: germline. Not counted in ClinVar's aggregate classification.

Literature cited by the submitters: PubMed 18371931 (cited by Labcorp Genetics (formerly Invitae), Labcorp and OMIM); PubMed 23559409 (cited by Labcorp Genetics (formerly Invitae), Labcorp).

NM_153240.5(NPHP3):c.1729C>T (p.Arg577Ter)

Genes: NPHP3 (nephrocystin 3; minus strand), NPHP3-ACAD11 (NPHP3-ACAD11 readthrough (NMD candidate); minus strand). Cytogenetic location: 3q22.1.
Variant type: single nucleotide variant.
Coding change: c.1729C>T on transcript NM_153240.5 (MANE Select); coding-DNA position 1729, C replaced by T.
Protein change: p.Arg577Ter; replaces arginine 577 with a stop codon.
Molecular consequence: nonsense. On other transcripts: non-coding transcript variant (1).
Genome position (GRCh38, 1-based): chr3:132,700,348, G>A on the plus strand (C>T on the coding strand, the complement: NPHP3 is on the minus strand). VCF-style: chr3-132700348-G-A. GRCh37 (hg19) VCF-style: chr3-132419192-G-A.
Other names: short protein forms R577*.
Identifiers: ClinVar variation 2636 (VCV000002636.20), dbSNP rs119456962, ClinGen allele CA115655.